The following is an entry in ClinVar:

NM_001063.4(TF):c.1412C>T (p.Thr471Met)

Gene: TF (transferrin; plus strand). Cytogenetic location: 3q22.1.
Variant type: single nucleotide variant.
Coding change: c.1412C>T on transcript NM_001063.4 (MANE Select); coding-DNA position 1412, C replaced by T.
Protein change: p.Thr471Met; replaces threonine 471 with methionine.
Molecular consequence: missense variant.
Genome position (GRCh38, 1-based): chr3:133,766,359, C>T. VCF-style: chr3-133766359-C-T. GRCh37 (hg19) VCF-style: chr3-133485203-C-T.
Other names: c.1280C>T, p.Thr427Met (NM_001354703.2); c.1031C>T, p.Thr344Met (NM_001354704.2); short protein forms T344M, T471M, T427M.
Identifiers: ClinVar variation 5003924 (VCV005003924.1).

ClinVar aggregate classification (germline): Uncertain significance (1 of 4 stars; one submission).

Conditions:
Atransferrinemia. Also called: Familial hypotransferrinemia. Identifiers: Orphanet 1195, MedGen C0521802, MONDO:0008846, OMIM 209300, HP:0012239.

gnomAD v4.1: 30 of 1,614,058 alleles (0.0019%); highest among the groups gnomAD compares: Middle Eastern, 0.016%; no homozygotes.

Submission:

Myriad Genetics, Inc.
Classification: Uncertain significance for Atransferrinemia. Last evaluated: 2026-03-11. Review status: criteria provided, single submitter. Criteria: Myriad Autosomal Dominant, Autosomal Recessive and X-Linked Classification Criteria (2023). Collection method: clinical testing. Allele origin: unknown.
Comment: NM_001063.3(TF):c.1412C>T(T471M) is a missense variant classified as a variant of uncertain significance in the context of atransferrinemia. T471M has not been observed in cases with relevant disease. Relevant functional assessments of this variant are not available in the literature. T471M has been observed in referenced population frequency databases. In summary, there is insufficient evidence to classify NM_001063.3(TF):c.1412C>T(T471M) as pathogenic or benign. Please note: this variant was assessed in the context of healthy population screening.